The following is an entry in ClinVar:

NM_001134407.3(GRIN2A):c.3005C>T (p.Thr1002Ile)

Gene: GRIN2A (glutamate ionotropic receptor NMDA type subunit 2A; minus strand). Cytogenetic location: 16p13.2.
Variant type: single nucleotide variant.
Coding change: c.3005C>T on transcript NM_001134407.3 (MANE Select); coding-DNA position 3005, C replaced by T.
Protein change: p.Thr1002Ile; replaces threonine 1002 with isoleucine.
Molecular consequence: missense variant.
Genome position (GRCh38, 1-based): chr16:9,764,539, G>A on the plus strand (C>T on the coding strand, the complement: GRIN2A is on the minus strand). VCF-style: chr16-9764539-G-A. GRCh37 (hg19) VCF-style: chr16-9858396-G-A.
Other names: c.3005C>T, p.Thr1002Ile (NM_000833.5, NM_001134408.2); short protein forms T1002I.
Identifiers: ClinVar variation 4840903 (VCV004840903.1).
Genomic context (GRCh38, chr16:9,764,539, plus strand): 5'-CGTATGGAATCCACGGATTTCTTCCACAGCTGCCGGGGTCTAGAGTTCGCTTTGGATTCT[G>A]TGCTCACGGCCACCTCCACCGTGTTAGGGTTGGACTCATTGAGAGTAAGAGGATGTTGTC-3'
Protein context (NP_001127879.1, residues 992-1012): NPNTVEVAVS[Thr1002Ile]ESKANSRPRQ

ClinVar aggregate classification (germline): Uncertain significance (1 of 4 stars; one submission).

Conditions:
Inborn genetic diseases. Identifiers: MedGen C0950123, MeSH D030342.

gnomAD v4.1: 1 of 1,613,836 alleles (0.000062%); highest among the groups gnomAD compares: East Asian, 0.0022%; no homozygotes.

Submission:

Ambry Genetics
Classification: Uncertain significance for Inborn genetic diseases. Last evaluated: 2026-03-03. Review status: criteria provided, single submitter. Criteria: Ambry Variant Classification Scheme 2023. Collection method: clinical testing. Allele origin: germline.
Comment: The c.3005C>T (p.T1002I) alteration is located in exon 14 (coding exon 12) of the GRIN2A gene. This alteration results from a C to T substitution at nucleotide position 3005, causing the threonine (T) at amino acid position 1002 to be replaced by an isoleucine (I). Based on data from gnomAD, the T allele has an overall frequency of 0.003% (1/31384) total alleles studied. The highest observed frequency was 0.064% (1/1556) of East Asian alleles. Based on insufficient or conflicting evidence, the clinical significance of this alteration remains unclear.